The following is an entry in ClinVar:

NM_014629.4(ARHGEF10):c.1810T>C (p.Tyr604His)

Gene: ARHGEF10 (Rho guanine nucleotide exchange factor 10; plus strand). Cytogenetic location: 8p23.3.
Variant type: single nucleotide variant.
Coding change: c.1810T>C on transcript NM_014629.4 (MANE Select); coding-DNA position 1810, T replaced by C.
Protein change: p.Tyr604His; replaces tyrosine 604 with histidine.
Molecular consequence: missense variant.
Genome position (GRCh38, 1-based): chr8:1,903,440, T>C. VCF-style: chr8-1903440-T-C. GRCh37 (hg19) VCF-style: chr8-1851606-T-C.
Other names: c.1696T>C, p.Tyr566His (NM_001308152.2); c.1810T>C, p.Tyr604His (NM_001308153.3); short protein forms Y628H, Y604H, Y566H.
Identifiers: ClinVar variation 2727973 (VCV002727973.3), dbSNP rs2537560984, ClinGen allele CA369960727.

ClinVar aggregate classification (germline): Uncertain significance (1 of 4 stars; one submission).

Allele frequency attached by ClinVar (database versions not stated): gnomAD exomes below 0.00001.
gnomAD v4.1: 1 of 1,614,202 alleles (0.000062%); no homozygotes.

Submission:

Labcorp Genetics (formerly Invitae), Labcorp
Classification: Uncertain significance. Last evaluated: 2024-05-29. Review status: criteria provided, single submitter. Criteria: Invitae Variant Classification Sherloc (09022015). Collection method: clinical testing. Allele origin: germline.
Comment: This sequence change replaces tyrosine, which is neutral and polar, with histidine, which is basic and polar, at codon 604 of the ARHGEF10 protein (p.Tyr604His). This variant is not present in population databases (gnomAD no frequency). This variant has not been reported in the literature in individuals affected with ARHGEF10-related conditions. Advanced modeling of protein sequence and biophysical properties (such as structural, functional, and spatial information, amino acid conservation, physicochemical variation, residue mobility, and thermodynamic stability) performed at Invitae indicates that this missense variant is not expected to disrupt ARHGEF10 protein function with a negative predictive value of 80%. In summary, the available evidence is currently insufficient to determine the role of this variant in disease. Therefore, it has been classified as a Variant of Uncertain Significance.